The following is an entry in ClinVar:

ClinVar aggregate classification (germline): Uncertain significance (1 of 4 stars; one submission).

Submission:

CeGaT Center for Human Genetics Tuebingen
Classification: Uncertain significance. Last evaluated: 2026-06-01. Review status: criteria provided, single submitter. Criteria: CeGaT Center For Human Genetics Tuebingen Variant Classification Criteria Version 2. Collection method: clinical testing. Allele origin: germline. Affected: yes. Observed: 1 variant allele.
Comment: NCKAP1: PM2, PP2

NM_013436.5(NCKAP1):c.2647A>C (p.Ser883Arg)

Gene: NCKAP1 (NCK associated protein 1; minus strand). Cytogenetic location: 2q32.1.
Variant type: single nucleotide variant.
Coding change: c.2647A>C on transcript NM_013436.5 (MANE Select); coding-DNA position 2647, A replaced by C.
Protein change: p.Ser883Arg; replaces serine 883 with arginine.
Molecular consequence: missense variant.
Genome position (GRCh38, 1-based): chr2:182,942,118, T>G on the plus strand (A>C on the coding strand, the complement: NCKAP1 is on the minus strand). VCF-style: chr2-182942118-T-G. GRCh37 (hg19) VCF-style: chr2-183806846-T-G.
Other names: c.2641A>C, p.Ser881Arg (NM_001437266.1); c.2659A>C, p.Ser887Arg (NM_001437267.1); c.2665A>C, p.Ser889Arg (NM_205842.3); short protein forms S881R, S883R, S887R, S889R.
Identifiers: ClinVar variation 4875202 (VCV004875202.2).